The following is an entry in ClinVar:

ClinVar aggregate classification (germline): Pathogenic. Review status: criteria provided, multiple submitters, no conflicts (2 of 4 stars). 4 submissions from 4 submitters: Pathogenic (4). Last evaluated 2026-04-15.

Conditions:
Hereditary cancer-predisposing syndrome. Also called: Tumor predisposition; Neoplastic Syndromes, Hereditary; Hereditary Cancer Syndrome; Hereditary neoplastic syndrome. Identifiers: Orphanet 140162, MedGen C0027672, MeSH D009386, MONDO:0015356.
Familial cancer of breast. Also called: Hereditary breast cancer; BREAST CANCER, FAMILIAL; hereditary breast carcinoma. Identifiers: Orphanet 227535, MedGen C0346153, MONDO:0016419, OMIM 114480. Disease mechanism: loss of function.
Ataxia-telangiectasia syndrome (AT). Also called: ATAXIA-TELANGIECTASIA, COMPLEMENTATION GROUP A; ATAXIA-TELANGIECTASIA, FRESNO VARIANT; Ataxia-telangiectasia; Ataxia-telangiectasia, complementation group D; AT, COMPLEMENTATION GROUP C; Ataxia-telangiectasia, complementation group E. Identifiers: Orphanet 100, MedGen C0004135, MONDO:0008840, OMIM 208900.

Submissions (4):

Ambry Genetics
Classification: Pathogenic for Hereditary cancer-predisposing syndrome. Last evaluated: 2026-04-15. Review status: criteria provided, single submitter. Criteria: Ambry Variant Classification Scheme 2023. Collection method: clinical testing. Allele origin: germline.
Comment: The c.8672delG pathogenic mutation, located in coding exon 59 of the ATM gene, results from a deletion of one nucleotide at nucleotide position 8672, causing a translational frameshift with a predicted alternate stop codon (p.G2891Vfs*47). This alteration is expected to result in loss of function by premature protein truncation or nonsense-mediated mRNA decay. As such, this alteration is interpreted as a disease-causing mutation.

Labcorp Genetics (formerly Invitae), Labcorp
Classification: Pathogenic for Ataxia-telangiectasia syndrome. Last evaluated: 2025-12-10. Review status: criteria provided, single submitter. Criteria: Invitae Variant Classification Sherloc (09022015). Collection method: clinical testing. Allele origin: germline.
Comment: This sequence change creates a premature translational stop signal (p.Gly2891Valfs*47) in the ATM gene. It is expected to result in an absent or disrupted protein product. Loss-of-function variants in ATM are known to be pathogenic (PMID: 23807571, 25614872). This variant is present in population databases (rs779170307, gnomAD 0.006%). This variant has not been reported in the literature in individuals affected with ATM-related conditions. ClinVar contains an entry for this variant (Variation ID: 860183). Algorithms developed to predict the effect of sequence changes on RNA splicing suggest that this variant may disrupt the consensus splice site. For these reasons, this variant has been classified as Pathogenic.

Myriad Genetics, Inc.
Classification: Pathogenic for Familial cancer of breast. Last evaluated: 2025-09-30. Review status: criteria provided, single submitter. Criteria: Myriad Autosomal Dominant, Autosomal Recessive and X-Linked Classification Criteria (2023). Collection method: clinical testing. Allele origin: unknown.
Comment: This variant is considered pathogenic. This variant creates a frameshift predicted to result in premature protein truncation.

Color Diagnostics, LLC DBA Color Health
Classification: Pathogenic for Hereditary cancer-predisposing syndrome. Last evaluated: 2022-01-10. Review status: criteria provided, single submitter. Criteria: ACMG Guidelines, 2015. Collection method: clinical testing. Allele origin: germline.
Comment: This variant deletes the first nucleotide of exon 60 of the ATM gene, creating a frameshift and premature translation stop signal. This variant is expected to result in an absent or non-functional protein product. This variant has been identified in 1/251446 chromosomes in the general population by the Genome Aggregation Database (gnomAD). Loss of ATM function is a known mechanism of disease. Based on the available evidence, this variant is classified as Pathogenic.

Literature cited by the submitters: PubMed 23807571 (cited by Labcorp Genetics (formerly Invitae), Labcorp); PubMed 25614872 (cited by Labcorp Genetics (formerly Invitae), Labcorp).

NM_000051.4(ATM):c.8672del

Genes: ATM (ATM serine/threonine kinase; plus strand), C11orf65 (chromosome 11 open reading frame 65; minus strand). Cytogenetic location: 11q22.3.
Variant type: Deletion.
Coding change: c.8672del on transcript NM_000051.4 (MANE Select); coding-DNA position 8672, one base deleted (G; older notation c.8672delG).
Molecular consequence: splice acceptor variant. On other transcripts: intron variant (2).
Genome position (GRCh38, 1-based): chr11:108,353,766, G deleted; the last of 2 consecutive G bases (chr11:108,353,765-108,353,766); deleting either gives the same sequence. VCF-style (leftmost placement, unchanged base first): chr11-108353764-AG-A. GRCh37 (hg19) VCF-style: chr11-108224491-AG-A.
Other names: c.8672delG (NM_000051.3); c.640+32155del (NM_001330368.2); c.695-18473del (NM_001351110.2).
Identifiers: ClinVar variation 860183 (VCV000860183.14), dbSNP rs779170307, ClinGen allele CA6266425.